The following is an entry in ClinVar:

NM_000302.4(PLOD1):c.1677dup (p.Ile560fs)

Gene: PLOD1 (procollagen-lysine,2-oxoglutarate 5-dioxygenase 1; plus strand). Cytogenetic location: 1p36.22.
Variant type: Duplication.
Coding change: c.1677dup on transcript NM_000302.4 (MANE Select); coding-DNA position 1677, one base duplicated (C; older notation c.1677dupC).
Protein change: p.Ile560fs; shifts the reading frame from isoleucine 560.
Molecular consequence: frameshift variant.
Genome position (GRCh38, 1-based): chr1:11,967,013, C duplicated; the last of 4 consecutive C bases (chr1:11,967,010-11,967,013); duplicating any one gives the same sequence. VCF-style (leftmost placement, unchanged base first): chr1-11967009-T-TC. GRCh37 (hg19) VCF-style: chr1-12027066-T-TC.
Other names: c.1818dup, p.Ile607fs (NM_001316320.2); short protein forms I560fs, I607fs.
Identifiers: ClinVar variation 3370423 (VCV003370423.1).
Genomic context (GRCh38, chr1:11,967,009, plus strand): 5'-ACTGTGGACCCCCTTGACTGAGTCCCTGCCCTCCCCAGCCCTGCCCGGATGTCTATTGGT[T>TC]CCCCATCTTCACGGAGGTGGCCTGTGATGAGCTGGTGGAGGAGATGGAGCACTTTGGCCA-3'

ClinVar aggregate classification (germline): Likely pathogenic (0 of 4 stars; one submission).

Conditions:
Ehlers-Danlos syndrome, kyphoscoliotic type 1 (EDSKSCL1). Also called: PLOD1-Related Kyphoscoliotic Ehlers-Danlos Syndrome; EHLERS-DANLOS SYNDROME, TYPE VIA; EHLERS-DANLOS SYNDROME, OCULAR-SCOLIOTIC TYPE; Ehlers-Danlos syndrome, hydroxylysine-deficient. Identifiers: Orphanet 1900, MedGen C0268342, MONDO:0016002, OMIM 225400. Disease mechanism: loss of function.

Submission:

Department of Genetics, Suzhou Beikang Medical Laboratory
Classification: Likely pathogenic for Ehlers-Danlos syndrome, kyphoscoliotic type 1. Last evaluated: 2024-10-31. Review status: no assertion criteria provided. Collection method: clinical testing. Allele origin: germline. Affected: no.
Comment: This variant has not been reported in the literature in individuals affected with PLOD1-related conditions. This variant is not present in population databases (gnomAD no frequency). This sequence change creates a premature translational stop signal (p.Ile560Hisfs*8) in the PLOD1 gene. Loss-of-function variants in PLOD1 are known to be pathogenic (PMID: 10874315, 21699693). In summary, the currently available evidence indicates that the variant is pathogenic, but additional data are needed to prove that conclusively. Therefore, this variant has been classified as Likely Pathogenic.